The following is an entry in ClinVar:

NM_138694.4(PKHD1):c.2335_2336del (p.Gln779fs)

Gene: PKHD1 (PKHD1 ciliary IPT domain containing fibrocystin/polyductin; minus strand). Cytogenetic location: 6p12.2.
Variant type: Microsatellite.
Coding change: c.2335_2336del on transcript NM_138694.4 (MANE Select); coding-DNA positions 2335 to 2336, 2 bases deleted (CA; older notation c.2335_2336delCA).
Protein change: p.Gln779fs; shifts the reading frame from glutamine 779.
Molecular consequence: frameshift variant.
Genome position (GRCh38, 1-based): chr6:52,048,563-52,048,564, TG deleted on the plus strand (CA on the coding strand, the reverse complement: PKHD1 is on the minus strand); deleting any 2 consecutive bases within chr6:52,048,563-52,048,567 gives the same sequence; the c. name uses the placement nearest the transcript's 3' end. VCF-style (leftmost placement, unchanged base first): chr6-52048562-CTG-C. GRCh37 (hg19) VCF-style: chr6-51913360-CTG-C.
Other names: c.2335_2336del, p.Gln779fs (NM_170724.3); short protein forms Q779fs.
Identifiers: ClinVar variation 2499243 (VCV002499243.2), dbSNP rs2533174247, ClinGen allele CA2580617262.

ClinVar aggregate classification (germline): Pathogenic/Likely pathogenic. Review status: criteria provided, multiple submitters, no conflicts (2 of 4 stars). 2 submissions from 2 submitters: Pathogenic (1); Likely pathogenic (1). Last evaluated 2025-07-18.

Conditions:
Autosomal recessive polycystic kidney disease (ARPKD). Also called: AR polycystic kidney disease. Identifiers: Orphanet 731, Orphanet 8378, MedGen C0085548, MeSH D017044, MONDO:0009889.

Submissions (2):

Natera, Inc.
Classification: Pathogenic for Autosomal recessive polycystic kidney disease. Last evaluated: 2025-07-18. Review status: criteria provided, single submitter. Criteria: Natera Variant Classification Schema (03/2026). Collection method: clinical testing. Allele origin: germline.
Comment: The c.2335_2336del variant in PKHD1 is a frameshift variant predicted to shift the reading frame beginning at codon 779 and leads to a stop codon 19 codons downstream. This variant is expected to result in nonsense mediated decay, truncation, or a dysfunctional protein product. This variant is rare in the general population with a frequency below the threshold expected for the associated phenotype(s). This variant has been observed in one or more individuals affected with the associated recessive disease, as either homozygous or compound heterozygous with a second variant (PMID: 34096032). Given the available evidence, this variant is classified as Pathogenic.

GeneDx
Classification: Likely pathogenic. Last evaluated: 2022-10-17. Review status: criteria provided, single submitter. Criteria: GeneDx Variant Classification Process June 2021. Collection method: clinical testing. Allele origin: germline. Affected: yes.
Comment: Frameshift variant predicted to result in protein truncation or nonsense mediated decay in a gene for which loss of function is a known mechanism of disease; Not observed at significant frequency in large population cohorts (gnomAD); Has not been previously published as pathogenic or benign to our knowledge

Literature cited by the submitters: PubMed 34096032 (cited by Natera, Inc.).